The following is an entry in ClinVar:

NM_033026.6(PCLO):c.13348G>C (p.Glu4450Gln)

Gene: PCLO (piccolo presynaptic cytomatrix protein; minus strand). Cytogenetic location: 7q21.11.
Variant type: single nucleotide variant.
Coding change: c.13348G>C on transcript NM_033026.6 (MANE Select); coding-DNA position 13348, G replaced by C.
Protein change: p.Glu4450Gln; replaces glutamic acid 4450 with glutamine.
Molecular consequence: missense variant.
Genome position (GRCh38, 1-based): chr7:82,908,966, C>G on the plus strand (G>C on the coding strand, the complement: PCLO is on the minus strand). VCF-style: chr7-82908966-C-G. GRCh37 (hg19) VCF-style: chr7-82538282-C-G.
Other names: c.13348G>C, p.Glu4450Gln (NM_014510.3); short protein forms E4450Q.
Identifiers: ClinVar variation 2840832 (VCV002840832.3), dbSNP rs2535529289, ClinGen allele CA367880872.

ClinVar aggregate classification (germline): Uncertain significance (1 of 4 stars; one submission).

Submission:

Labcorp Genetics (formerly Invitae), Labcorp
Classification: Uncertain significance. Last evaluated: 2025-02-10. Review status: criteria provided, single submitter. Criteria: Invitae Variant Classification Sherloc (09022015). Collection method: clinical testing. Allele origin: germline.
Comment: This sequence change replaces glutamic acid, which is acidic and polar, with glutamine, which is neutral and polar, at codon 4450 of the PCLO protein (p.Glu4450Gln). This variant is not present in population databases (gnomAD no frequency). This variant has not been reported in the literature in individuals affected with PCLO-related conditions. ClinVar contains an entry for this variant (Variation ID: 2840832). Experimental studies and prediction algorithms are not available or were not evaluated, and the functional significance of this variant is currently unknown. In summary, the available evidence is currently insufficient to determine the role of this variant in disease. Therefore, it has been classified as a Variant of Uncertain Significance.